The following is an entry in ClinVar:

NM_001080449.3(DNA2):c.417A>G (p.Arg139=)

Gene: DNA2 (DNA replication helicase/nuclease 2; minus strand). Cytogenetic location: 10q21.3.
Variant type: single nucleotide variant.
Coding change: c.417A>G on transcript NM_001080449.3 (MANE Select); coding-DNA position 417, A replaced by G.
Protein change: p.Arg139=; no amino-acid change (arginine 139 retained).
Molecular consequence: synonymous variant. On other transcripts: non-coding transcript variant (1).
Genome position (GRCh38, 1-based): chr10:68,468,147, T>C on the plus strand (A>G on the coding strand, the complement: DNA2 is on the minus strand). VCF-style: chr10-68468147-T-C. GRCh37 (hg19) VCF-style: chr10-70227904-T-C.
Identifiers: ClinVar variation 3657837 (VCV003657837.2).

ClinVar aggregate classification (germline): Uncertain significance (1 of 4 stars; one submission).

Submission:

Labcorp Genetics (formerly Invitae), Labcorp
Classification: Uncertain significance. Last evaluated: 2024-06-25. Review status: criteria provided, single submitter. Criteria: Invitae Variant Classification Sherloc (09022015). Collection method: clinical testing. Allele origin: germline.
Comment: This sequence change affects codon 139 of the DNA2 mRNA. It is a 'silent' change, meaning that it does not change the encoded amino acid sequence of the DNA2 protein. This variant is not present in population databases (gnomAD no frequency). This variant has not been reported in the literature in individuals affected with DNA2-related conditions. Algorithms developed to predict the effect of sequence changes on RNA splicing suggest that this variant may disrupt the consensus splice site. In summary, the available evidence is currently insufficient to determine the role of this variant in disease. Therefore, it has been classified as a Variant of Uncertain Significance.